The following is an entry in ClinVar:

ClinVar aggregate classification (germline): Benign. Review status: criteria provided, multiple submitters, no conflicts (2 of 4 stars). 2 submissions from 2 submitters: Benign (2). Last evaluated 2018-06-14.

Allele frequency attached by ClinVar (database versions not stated): gnomAD 0.15623 and 0.16087; TOPMed 0.16792; 1000 Genomes Project 30x 0.20472; 1000 Genomes Project 0.21166.
gnomAD v4.1: 101,885 of 595,312 alleles (17%); highest among the groups gnomAD compares: East Asian, 31%; 9,468 homozygotes.

Submissions (9):

GeneDx
Classification: Benign. Last evaluated: 2018-06-14. Review status: criteria provided, single submitter. Criteria: GeneDx Variant Classification (06012015). Collection method: clinical testing. Allele origin: germline. Affected: yes.
Comment: This variant is considered likely benign or benign based on one or more of the following criteria: it is a conservative change, it occurs at a poorly conserved position in the protein, it is predicted to be benign by multiple in silico algorithms, and/or has population frequency not consistent with disease.

Breakthrough Genomics
Classification: Benign. Review status: criteria provided, single submitter. Criteria: ACMG Guidelines, 2015. Collection method: not provided. Allele origin: germline. Inheritance: Autosomal recessive inheritance. Affected: yes.

Dr. Peter K. Rogan Lab, Western University
No classification provided (evidence only). Condition: Acute myeloid leukemia. Review status: no classification provided. Collection method: in vitro. Allele origin: not applicable. Functional consequence: retained intron. Not counted in ClinVar's aggregate classification.

Dr. Peter K. Rogan Lab, Western University
No classification provided (evidence only). Condition: Acute myeloid leukemia. Review status: no classification provided. Collection method: in vitro. Allele origin: not applicable. Functional consequence: retained intron. Not counted in ClinVar's aggregate classification.

Dr. Peter K. Rogan Lab, Western University
No classification provided (evidence only). Condition: Acute myeloid leukemia. Review status: no classification provided. Collection method: in vitro. Allele origin: not applicable. Functional consequence: retained intron. Not counted in ClinVar's aggregate classification.

Dr. Peter K. Rogan Lab, Western University
No classification provided (evidence only). Condition: Acute myeloid leukemia. Review status: no classification provided. Collection method: in vitro. Allele origin: not applicable. Functional consequence: retained intron. Not counted in ClinVar's aggregate classification.

Dr. Peter K. Rogan Lab, Western University
No classification provided (evidence only). Condition: Acute myeloid leukemia. Review status: no classification provided. Collection method: in vitro. Allele origin: not applicable. Functional consequence: retained intron. Not counted in ClinVar's aggregate classification.

Dr. Peter K. Rogan Lab, Western University
No classification provided (evidence only). Condition: Thymoma. Review status: no classification provided. Collection method: in vitro. Allele origin: not applicable. Functional consequence: retained intron. Not counted in ClinVar's aggregate classification.

Dr. Peter K. Rogan Lab, Western University
No classification provided (evidence only). Condition: Cholangiocarcinoma. Review status: no classification provided. Collection method: in vitro. Allele origin: not applicable. Functional consequence: retained intron. Not counted in ClinVar's aggregate classification.

NM_001365088.1(SLC12A6):c.-72-143A>T

Gene: SLC12A6 (solute carrier family 12 member 6; minus strand). Cytogenetic location: 15q14.
Variant type: single nucleotide variant.
Coding change: c.-72-143A>T on transcript NM_001365088.1 (MANE Select); 143 bases into the intron before 72 bases upstream of the start codon, A replaced by T.
Molecular consequence: intron variant. On other transcripts: 5 prime UTR variant (2).
Genome position (GRCh38, 1-based): chr15:34,336,895, T>A on the plus strand (A>T on the coding strand, the complement: SLC12A6 is on the minus strand). VCF-style: chr15-34336895-T-A. GRCh37 (hg19) VCF-style: chr15-34629096-T-A.
Other names: NC_000015.9:g.34629096T>A; c.-215A>T (NM_001042497.2, NM_133647.2); c.-98-294A>T (NM_001042495.2, NM_001042494.2); c.-14-228A>T (NM_001042496.2).
Identifiers: ClinVar variation 670084 (VCV000670084.3), dbSNP rs73374491, ClinGen allele CA14169130.